The following is an entry in ClinVar:

ClinVar aggregate classification (germline): Uncertain significance (1 of 4 stars; one submission).

Allele frequency attached by ClinVar (database versions not stated): gnomAD 0.00001 and 0.00002; gnomAD exomes 0.00001 and 0.00003; TOPMed 0.00002; ExAC 0.00004.

Submission:

Labcorp Genetics (formerly Invitae), Labcorp
Classification: Uncertain significance. Last evaluated: 2024-03-04. Review status: criteria provided, single submitter. Criteria: Invitae Variant Classification Sherloc (09022015). Collection method: clinical testing. Allele origin: germline.
Comment: This sequence change replaces arginine, which is basic and polar, with histidine, which is basic and polar, at codon 144 of the OPN1SW protein (p.Arg144His). This variant is present in population databases (rs749665821, gnomAD 0.007%). This variant has not been reported in the literature in individuals affected with OPN1SW-related conditions. ClinVar contains an entry for this variant (Variation ID: 1061439). An algorithm developed to predict the effect of missense changes on protein structure and function (PolyPhen-2) suggests that this variant is likely to be tolerated. In summary, the available evidence is currently insufficient to determine the role of this variant in disease. Therefore, it has been classified as a Variant of Uncertain Significance.

NM_001385125.1(OPN1SW):c.422G>A (p.Arg141His)

Gene: OPN1SW (opsin 1, short wave sensitive; minus strand). Cytogenetic location: 7q32.1.
Variant type: single nucleotide variant.
Coding change: c.422G>A on transcript NM_001385125.1 (MANE Select); coding-DNA position 422, G replaced by A.
Protein change: p.Arg141His; replaces arginine 141 with histidine.
Molecular consequence: missense variant.
Genome position (GRCh38, 1-based): chr7:128,775,076, C>T on the plus strand (G>A on the coding strand, the complement: OPN1SW is on the minus strand). VCF-style: chr7-128775076-C-T. GRCh37 (hg19) VCF-style: chr7-128415130-C-T.
Other names: short protein forms R141H.
Identifiers: ClinVar variation 1061439 (VCV001061439.9), dbSNP rs749665821, ClinGen allele CA4472944.